The following is an entry in ClinVar:

ClinVar aggregate classification (germline): Uncertain significance (1 of 4 stars; one submission).

gnomAD v4.1: 2 of 1,604,642 alleles (0.00012%); highest among the groups gnomAD compares: East Asian, 0.0022%; no homozygotes.

Submission:

Labcorp Genetics (formerly Invitae), Labcorp
Classification: Uncertain significance. Last evaluated: 2024-06-30. Review status: criteria provided, single submitter. Criteria: Invitae Variant Classification Sherloc (09022015). Collection method: clinical testing. Allele origin: germline.
Comment: This sequence change falls in intron 18 of the CACNA2D4 gene. It does not directly change the encoded amino acid sequence of the CACNA2D4 protein. It affects a nucleotide within the consensus splice site. This variant is not present in population databases (gnomAD no frequency). This variant has not been reported in the literature in individuals affected with CACNA2D4-related conditions. Variants that disrupt the consensus splice site are a relatively common cause of aberrant splicing (PMID: 17576681, 9536098). Algorithms developed to predict the effect of sequence changes on RNA splicing suggest that this variant is not likely to affect RNA splicing. In summary, the available evidence is currently insufficient to determine the role of this variant in disease. Therefore, it has been classified as a Variant of Uncertain Significance.

Literature cited by the submitters: PubMed 17576681; PubMed 9536098.

NM_172364.5(CACNA2D4):c.1878+6G>A

Gene: CACNA2D4 (calcium voltage-gated channel auxiliary subunit alpha2delta 4; minus strand). Cytogenetic location: 12p13.33.
Variant type: single nucleotide variant.
Coding change: c.1878+6G>A on transcript NM_172364.5 (MANE Select); 6 bases into the intron after coding-DNA position 1878, G replaced by A.
Molecular consequence: intron variant.
Genome position (GRCh38, 1-based): chr12:1,874,598, C>T on the plus strand (G>A on the coding strand, the complement: CACNA2D4 is on the minus strand). VCF-style: chr12-1874598-C-T. GRCh37 (hg19) VCF-style: chr12-1983764-C-T.
Identifiers: ClinVar variation 3702855 (VCV003702855.2).